The following is an entry in ClinVar:

ClinVar aggregate classification (germline): Uncertain significance (1 of 4 stars; one submission).

Allele frequency attached by ClinVar (database versions not stated): gnomAD exomes 0.00001.

Submission:

Labcorp Genetics (formerly Invitae), Labcorp
Classification: Uncertain significance. Last evaluated: 2022-10-06. Review status: criteria provided, single submitter. Criteria: Invitae Variant Classification Sherloc (09022015). Collection method: clinical testing. Allele origin: germline.
Comment: This sequence change replaces glutamic acid, which is acidic and polar, with glycine, which is neutral and non-polar, at codon 357 of the GDF5 protein (p.Glu357Gly). This variant is not present in population databases (gnomAD no frequency). This variant has not been reported in the literature in individuals affected with GDF5-related conditions. Advanced modeling of protein sequence and biophysical properties (such as structural, functional, and spatial information, amino acid conservation, physicochemical variation, residue mobility, and thermodynamic stability) has been performed at Invitae for this missense variant, however the output from this modeling did not meet the statistical confidence thresholds required to predict the impact of this variant on GDF5 protein function. In summary, the available evidence is currently insufficient to determine the role of this variant in disease. Therefore, it has been classified as a Variant of Uncertain Significance.

NM_000557.5(GDF5):c.1070A>G (p.Glu357Gly)

Genes: GDF5 (growth differentiation factor 5; minus strand), GDF5-AS1 (GDF5 antisense RNA 1; plus strand). Cytogenetic location: 20q11.22.
Variant type: single nucleotide variant.
Coding change: c.1070A>G on transcript NM_000557.5 (MANE Select); coding-DNA position 1070, A replaced by G.
Protein change: p.Glu357Gly; replaces glutamic acid 357 with glycine.
Molecular consequence: missense variant. On other transcripts: non-coding transcript variant (1).
Genome position (GRCh38, 1-based): chr20:35,434,345, T>C on the plus strand (A>G on the coding strand, the complement: GDF5 is on the minus strand). VCF-style: chr20-35434345-T-C. GRCh37 (hg19) VCF-style: chr20-34022143-T-C.
Other names: c.1070A>G, p.Glu357Gly (NM_001319138.2); short protein forms E357G.
Identifiers: ClinVar variation 2189016 (VCV002189016.1), dbSNP rs2062459359, ClinGen allele CA408740207.